The following is an entry in ClinVar:

ClinVar aggregate classification (germline): Likely pathogenic (1 of 4 stars; one submission).

Conditions:
Familial cancer of breast. Also called: Hereditary breast cancer; BREAST CANCER, FAMILIAL; hereditary breast carcinoma. Identifiers: Orphanet 227535, MedGen C0346153, MONDO:0016419, OMIM 114480. Disease mechanism: loss of function.

Submission:

Myriad Genetics, Inc.
Classification: Likely pathogenic for Familial cancer of breast. Last evaluated: 2023-01-17. Review status: criteria provided, single submitter. Criteria: Myriad Autosomal Dominant, Autosomal Recessive and X-Linked Classification Criteria (2023). Collection method: clinical testing. Allele origin: unknown.
Comment: This variant is considered likely pathogenic. This variant occurs within a consensus splice junction and is predicted to result in abnormal mRNA splicing of either an out-of-frame exon or an in-frame exon necessary for protein stability and/or normal function.

NM_007194.4(CHEK2):c.847-12_847-2delinsTTG

Gene: CHEK2 (checkpoint kinase 2; minus strand). Cytogenetic location: 22q12.1.
Variant type: Indel.
Coding change: c.847-12_847-2delinsTTG on transcript NM_007194.4 (MANE Select); 12 bases into the intron before coding-DNA position 847 through the canonical splice acceptor site of the intron before coding-DNA position 847, CCCTCTTCTTA replaced by TTG.
Molecular consequence: splice acceptor variant.
Genome position (GRCh38, 1-based): chr22:28,703,568-28,703,578, TAAGAAGAGGG replaced by CAA on the plus strand (CCCTCTTCTTA replaced by TTG on the coding strand, the reverse complement: CHEK2 is on the minus strand). VCF-style: chr22-28703568-TAAGAAGAGGG-CAA. GRCh37 (hg19) VCF-style: chr22-29099556-TAAGAAGAGGG-CAA.
Other names: c.184-12_184-2delinsTTG (NM_001437942.1, NM_001257387.3); c.646-12_646-2delinsTTG (NM_001349956.3); c.847-12_847-2delinsTTG (NM_145862.3); c.940-12_940-2delinsTTG (NM_001438295.1, NM_001438293.1); c.976-12_976-2delinsTTG (NM_001438294.1, NM_001005735.3).
Identifiers: ClinVar variation 2431295 (VCV002431295.1), dbSNP rs2517887811, ClinGen allele CA2580099390.